The following is an entry in ClinVar:

ClinVar aggregate classification (germline): Uncertain significance. Review status: criteria provided, multiple submitters, no conflicts (2 of 4 stars). 3 submissions from 3 submitters: Uncertain significance (3). Last evaluated 2025-08-05.

Conditions:
Congenital stationary night blindness 1E. Also called: Night blindness, congenital stationary (complete), 1E, autosomal recessive. Identifiers: Orphanet 215, MedGen C3281215, MONDO:0013807, OMIM 614565.
Inborn genetic diseases. Identifiers: MedGen C0950123, MeSH D030342.

Allele frequency attached by ClinVar (database versions not stated): gnomAD 0.00004 and 0.00006; gnomAD exomes 0.00005 and 0.00007; ESP Exome Variant Server 0.00008; TOPMed 0.00008; ExAC 0.00009.
gnomAD v4.1: 82 of 1,613,320 alleles (0.0051%); highest among the groups gnomAD compares: Middle Eastern, 0.049%; no homozygotes.

Submissions (3):

Ambry Genetics
Classification: Uncertain significance for Inborn genetic diseases. Last evaluated: 2025-08-05. Review status: criteria provided, single submitter. Criteria: Ambry Variant Classification Scheme 2023. Collection method: clinical testing. Allele origin: germline.

Labcorp Genetics (formerly Invitae), Labcorp
Classification: Uncertain significance. Last evaluated: 2022-08-22. Review status: criteria provided, single submitter. Criteria: Invitae Variant Classification Sherloc (09022015). Collection method: clinical testing. Allele origin: germline.
Comment: This sequence change replaces serine, which is neutral and polar, with asparagine, which is neutral and polar, at codon 530 of the GPR179 protein (p.Ser530Asn). The frequency data for this variant in the population databases is considered unreliable, as metrics indicate poor data quality at this position in the gnomAD database. This variant has not been reported in the literature in individuals affected with GPR179-related conditions. ClinVar contains an entry for this variant (Variation ID: 323020). Algorithms developed to predict the effect of missense changes on protein structure and function (SIFT, PolyPhen-2, Align-GVGD) all suggest that this variant is likely to be tolerated. In summary, the available evidence is currently insufficient to determine the role of this variant in disease. Therefore, it has been classified as a Variant of Uncertain Significance.

Illumina Laboratory Services, Illumina
Classification: Uncertain significance for Congenital stationary night blindness 1E. Last evaluated: 2018-01-13. Review status: criteria provided, single submitter. Criteria: ICSL Variant Classification Criteria 13 December 2019. Collection method: clinical testing. Allele origin: germline.

NM_001004334.4(GPR179):c.1589G>A (p.Ser530Asn)

Gene: GPR179 (G protein-coupled receptor 179; minus strand). Cytogenetic location: 17q12.
Variant type: single nucleotide variant.
Coding change: c.1589G>A on transcript NM_001004334.4 (MANE Select); coding-DNA position 1589, G replaced by A.
Protein change: p.Ser530Asn; replaces serine 530 with asparagine.
Molecular consequence: missense variant.
Genome position (GRCh38, 1-based): chr17:38,335,089, C>T on the plus strand (G>A on the coding strand, the complement: GPR179 is on the minus strand). VCF-style: chr17-38335089-C-T. GRCh37 (hg19) VCF-style: chr17-36490972-C-T.
Other names: short protein forms S530N.
Identifiers: ClinVar variation 323020 (VCV000323020.10), dbSNP rs371905233, ClinGen allele CA10650040.